The following is an entry in ClinVar:

ClinVar aggregate classification (germline): Uncertain significance. Review status: criteria provided, multiple submitters, no conflicts (2 of 4 stars). 3 submissions from 3 submitters: Uncertain significance (2). 1 of the submissions does not count toward it. Last evaluated 2025-04-07.

Conditions:
Neuronal ceroid lipofuscinosis 2. Also called: JANSKY-BIELSCHOWSKY DISEASE NEURONAL CEROID LIPOFUSCINOSIS, LATE INFANTILE; TPP1-Related Neuronal Ceroid-Lipofuscinosis. Identifiers: Orphanet 168491, Orphanet 228349, Orphanet 79264, MedGen C1876161, MONDO:0008769, OMIM 204500.
Inborn genetic diseases. Identifiers: MedGen C0950123, MeSH D030342.

Allele frequency attached by ClinVar (database versions not stated): gnomAD exomes below 0.00001; gnomAD 0.00001.

Submissions (3):

Ambry Genetics
Classification: Uncertain significance for Inborn genetic diseases. Last evaluated: 2025-04-07. Review status: criteria provided, single submitter. Criteria: Ambry Variant Classification Scheme 2023. Collection method: clinical testing. Allele origin: germline.

GeneDx
Classification: Uncertain significance. Last evaluated: 2014-04-03. Review status: criteria provided, single submitter. Criteria: GeneDx Variant Classification (06012015). Collection method: clinical testing. Allele origin: germline. Affected: yes.
Comment: p.Leu13Phe (CTC>TTC): c.37 C>T in exon 2 of the TPP1 gene (NM_000391.3) The L13F variant has not been published as a mutation, nor has it been reported as a benign polymorphism to our knowledge. It was not observed in approximately 6,500 individuals of European and African American ancestry in the NHLBI Exome Sequencing Project, indicating it is not a common benign variant in these populations. The L13F variant is a semi-conservative amino acid substitution, which may impact secondary protein structure as these residues differ in some properties. This substitution occurs at a position that is conserved across species. However, in silico analysis predicts this variant likely does not alter the protein structure/function. Therefore, based on the currently available information, it is unclear whether this variant is a pathogenic mutation or a rare benign variant. The variant is found in INFANT-EPI panel(s).

Natera, Inc.
Classification: Uncertain significance for Neuronal ceroid lipofuscinosis 2. Last evaluated: 2020-07-08. Review status: no assertion criteria provided. Collection method: clinical testing. Allele origin: germline. Not counted in ClinVar's aggregate classification.

NM_000391.4(TPP1):c.37C>T (p.Leu13Phe)

Gene: TPP1 (tripeptidyl peptidase 1; minus strand). Cytogenetic location: 11p15.4.
Variant type: single nucleotide variant.
Coding change: c.37C>T on transcript NM_000391.4 (MANE Select); coding-DNA position 37, C replaced by T.
Protein change: p.Leu13Phe; replaces leucine 13 with phenylalanine.
Molecular consequence: missense variant.
Genome position (GRCh38, 1-based): chr11:6,619,248, G>A on the plus strand (C>T on the coding strand, the complement: TPP1 is on the minus strand). VCF-style: chr11-6619248-G-A. GRCh37 (hg19) VCF-style: chr11-6640479-G-A.
Other names: p.L13F:CTC>TTC; short protein forms L13F.
Identifiers: ClinVar variation 207598 (VCV000207598.4), dbSNP rs796053445, ClinGen allele CA319222.